The following is an entry in ClinVar:

ClinVar aggregate classification (germline): Pathogenic (1 of 4 stars; one submission).

Conditions:
Hereditary cancer-predisposing syndrome. Also called: Tumor predisposition; Neoplastic Syndromes, Hereditary; Hereditary Cancer Syndrome; Hereditary neoplastic syndrome. Identifiers: Orphanet 140162, MedGen C0027672, MeSH D009386, MONDO:0015356.

Submission:

Ambry Genetics
Classification: Pathogenic for Hereditary cancer-predisposing syndrome. Last evaluated: 2024-10-02. Review status: criteria provided, single submitter. Criteria: Ambry Variant Classification Scheme 2023. Collection method: clinical testing. Allele origin: germline.
Comment: The c.943delA pathogenic mutation, located in coding exon 9 of the BRCA1 gene, results from a deletion of one nucleotide at nucleotide position 943, causing a translational frameshift with a predicted alternate stop codon (p.R315Gfs*26). This variant is considered to be rare based on population cohorts in the Genome Aggregation Database (gnomAD). This alteration is expected to result in loss of function by premature protein truncation or nonsense-mediated mRNA decay. As such, this alteration is interpreted as a disease-causing mutation.

NM_007294.4(BRCA1):c.943del (p.Arg315fs)

Gene: BRCA1 (BRCA1 DNA repair associated; minus strand). Cytogenetic location: 17q21.31.
Variant type: Deletion.
Coding change: c.943del on transcript NM_007294.4 (MANE Select); coding-DNA position 943, one base deleted (A; older notation c.943delA).
Protein change: p.Arg315fs; shifts the reading frame from arginine 315.
Molecular consequence: frameshift variant. On other transcripts: intron variant (137).
Genome position (GRCh38, 1-based): chr17:43,094,588, T deleted on the plus strand (A on the coding strand, the reverse complement: BRCA1 is on the minus strand); the first of 2 consecutive T bases (chr17:43,094,588-43,094,589); deleting either gives the same sequence. VCF-style (leftmost placement, unchanged base first): chr17-43094587-CT-C. GRCh37 (hg19) VCF-style: chr17-41246604-CT-C.
Other names: c.667+1258del (NM_001408431.1, NM_001408424.1, NM_001408421.1); c.784+156del (NM_001408407.1, NM_001408402.1, NM_001408473.1 and 13 more transcripts); c.664+156del (NM_001408443.1, NM_001408439.1, NM_001408425.1 and 12 more transcripts); c.787+156del (NM_001408403.1, NM_001407980.1, NM_001407993.1 and 19 more transcripts); c.670+1258del (NM_001408419.1, NM_001408423.1, NM_001408420.1 and 2 more transcripts); c.934del, p.Arg312fs (NM_001407646.1, NM_001407647.1); c.820del, p.Arg274fs (NM_001407648.1, NM_001407664.1, NM_001407665.1 and 19 more transcripts); c.817del, p.Arg273fs (NM_001407649.1, NM_001407670.1, NM_001407671.1 and 11 more transcripts); and 41 more; short protein forms R203fs, R244fs, R247fs, R267fs, R312fs, R188fs, R204fs, R248fs.
Identifiers: ClinVar variation 3481862 (VCV003481862.1).